The following is an entry in ClinVar:

NM_020134.4(DPYSL5):c.636C>T (p.Gly212=)

Gene: DPYSL5 (dihydropyrimidinase like 5; plus strand). Cytogenetic location: 2p23.3.
Variant type: single nucleotide variant.
Coding change: c.636C>T on transcript NM_020134.4 (MANE Select); coding-DNA position 636, C replaced by T.
Protein change: p.Gly212=; no amino-acid change (glycine 212 retained).
Molecular consequence: synonymous variant.
Genome position (GRCh38, 1-based): chr2:26,928,290, C>T. VCF-style: chr2-26928290-C-T. GRCh37 (hg19) VCF-style: chr2-27151158-C-T.
Other names: c.636C>T, p.Gly212= (NM_001253723.2, NM_001253724.2).
Identifiers: ClinVar variation 775705 (VCV000775705.9), dbSNP rs138085034, ClinGen allele CA1566178.

ClinVar aggregate classification (germline): Benign/Likely benign. Review status: criteria provided, multiple submitters, no conflicts (2 of 4 stars). 4 submissions from 4 submitters: Benign (2); Likely benign (2). Last evaluated 2026-10-01.

Allele frequency attached by ClinVar (database versions not stated): gnomAD 0.00268 and 0.00244; ESP Exome Variant Server 0.00269; gnomAD exomes 0.00057; ExAC 0.00082; 1000 Genomes Project 30x 0.00187; 1000 Genomes Project 0.00220; TOPMed 0.00248.
gnomAD v4.1: 657 of 1,613,924 alleles (0.041%); highest among the groups gnomAD compares: African/African-American, 0.8%; 1 homozygote.

Submissions (4):

CeGaT Center for Human Genetics Tuebingen
Classification: Likely benign. Last evaluated: 2026-10-01. Review status: criteria provided, single submitter. Criteria: CeGaT Center For Human Genetics Tuebingen Variant Classification Criteria Version 2. Collection method: clinical testing. Allele origin: germline. Affected: yes. Observed: 2 variant alleles.
Comment: DPYSL5: BP4, BP7

Blueprint Genetics
Classification: Likely benign. Last evaluated: 2024-10-09. Review status: criteria provided, single submitter. Criteria: ACMG Guidelines, 2015. Collection method: clinical testing. Allele origin: germline.

Labcorp Genetics (formerly Invitae), Labcorp
Classification: Benign. Last evaluated: 2018-05-30. Review status: criteria provided, single submitter. Criteria: Invitae Variant Classification Sherloc (09022015). Collection method: clinical testing. Allele origin: germline.

Breakthrough Genomics
Classification: Benign. Review status: criteria provided, single submitter. Criteria: ACMG Guidelines, 2015. Collection method: not provided. Allele origin: germline. Inheritance: Autosomal dominant inheritance. Affected: yes.